The following is an entry in ClinVar:

NM_015100.4(POGZ):c.176C>T (p.Ala59Val)

Gene: POGZ (pogo transposable element derived with ZNF domain; minus strand). Cytogenetic location: 1q21.3.
Variant type: single nucleotide variant.
Coding change: c.176C>T on transcript NM_015100.4 (MANE Select); coding-DNA position 176, C replaced by T.
Protein change: p.Ala59Val; replaces alanine 59 with valine.
Molecular consequence: missense variant. On other transcripts: intron variant (2).
Genome position (GRCh38, 1-based): chr1:151,441,035, G>A on the plus strand (C>T on the coding strand, the complement: POGZ is on the minus strand). VCF-style: chr1-151441035-G-A. GRCh37 (hg19) VCF-style: chr1-151413511-G-A.
Other names: c.176C>T, p.Ala59Val (NM_001194937.2, NM_145796.4); c.197C>T, p.Ala66Val (NM_001410860.1); c.124+1046C>T (NM_001194938.2, NM_207171.2); short protein forms A59V, A66V.
Identifiers: ClinVar variation 4528109 (VCV004528109.2).

ClinVar aggregate classification (germline): Uncertain significance. Review status: criteria provided, multiple submitters, no conflicts (2 of 4 stars). 2 submissions from 2 submitters: Uncertain significance (2). Last evaluated 2025-11-20.

Conditions:
Inborn genetic diseases. Identifiers: MedGen C0950123, MeSH D030342.

Submissions (2):

Ambry Genetics
Classification: Uncertain significance for Inborn genetic diseases. Last evaluated: 2025-11-20. Review status: criteria provided, single submitter. Criteria: Ambry Variant Classification Scheme 2023. Collection method: clinical testing. Allele origin: germline.

GeneDx
Classification: Uncertain significance. Last evaluated: 2025-05-05. Review status: criteria provided, single submitter. Criteria: GeneDx Variant Classification Process June 2021. Collection method: clinical testing. Allele origin: germline. Affected: yes.
Comment: Not observed at significant frequency in large population cohorts (gnomAD); In silico analysis suggests that this missense variant does not alter protein structure/function; Has not been previously published as pathogenic or benign to our knowledge